The following is an entry in ClinVar:

NM_001165963.4(SCN1A):c.4933C>G (p.Arg1645Gly)

Genes: SCN1A (sodium voltage-gated channel alpha subunit 1; minus strand), LOC102724058 (uncharacterized LOC102724058; plus strand). Cytogenetic location: 2q24.3.
Variant type: single nucleotide variant.
Coding change: c.4933C>G on transcript NM_001165963.4 (MANE Select); coding-DNA position 4933, C replaced by G.
Protein change: p.Arg1645Gly; replaces arginine 1645 with glycine.
Molecular consequence: missense variant. On other transcripts: non-coding transcript variant (1).
Genome position (GRCh38, 1-based): chr2:165,992,342, G>C on the plus strand (C>G on the coding strand, the complement: SCN1A is on the minus strand). VCF-style: chr2-165992342-G-C. GRCh37 (hg19) VCF-style: chr2-166848852-G-C.
Other names: c.4849C>G, p.Arg1617Gly (NM_001165964.3, NM_001353957.2, NM_001353958.2); c.4933C>G, p.Arg1645Gly (NM_001202435.3, NM_001353948.2); c.4900C>G, p.Arg1634Gly (NM_001353949.2, NM_001353950.2, NM_001353951.2 and 2 more transcripts); c.4897C>G, p.Arg1633Gly (NM_001353954.2, NM_001353955.2); c.4846C>G, p.Arg1616Gly (NM_001353960.2); c.2491C>G, p.Arg831Gly (NM_001353961.2); short protein forms R1616G, R1617G, R1633G, R1634G, R1645G, R831G.
Identifiers: ClinVar variation 4292082 (VCV004292082.2).

ClinVar aggregate classification (germline): Pathogenic/Likely pathogenic. Review status: criteria provided, multiple submitters, no conflicts (2 of 4 stars). 2 submissions from 2 submitters: Pathogenic (1); Likely pathogenic (1). Last evaluated 2024-11-07.

Conditions:
SCN1A-related disorder. Also called: SCN1A-related conditions; SCN1A-related condition; SCN1A-related disorders.
Developmental and epileptic encephalopathy 6B. Also called: Developmental and epileptic encephalopathy 6B, non-Dravet. Identifiers: MedGen C5543353, MONDO:0030268, OMIM 619317.

Submissions (2):

Blueprint Genetics
Classification: Likely pathogenic for SCN1A-related disorders. Last evaluated: 2024-11-07. Review status: criteria provided, single submitter. Criteria: ACMG Guidelines, 2015. Collection method: clinical testing. Allele origin: germline. Affected: yes. Observed: 1 variant allele.

3billion
Classification: Pathogenic for Developmental and epileptic encephalopathy 6B. Last evaluated: 2024-06-27. Review status: criteria provided, single submitter. Criteria: ACMG Guidelines, 2015. Collection method: clinical testing. Allele origin: germline. Affected: yes.
Comment: The variant is not observed in the gnomAD v4.0.0 dataset. Predicted Consequence/Location: Missense variant In silico tool predictions suggest damaging effect of the variant on gene or gene product [REVEL: 0.92 (>=0.6, sensitivity 0.68 and specificity 0.92); 3Cnet: 1.00 (>=0.6, sensitivity 0.72 and precision 0.9)]. The same nucleotide change resulting in the same amino acid change has been previously reported to be associated with SCN1A related disorder (PMID: 35087721). Different missense changes at the same codon (p.Arg1645Gln, p.Arg1645Pro) have been reported as pathogenic/likely pathogenic with strong evidence (ClinVar ID: VCV000068558, VCV000190005 /PMID: 17347258, 26096185). Therefore, this variant is classified as Pathogenic according to the recommendation of ACMG/AMP guideline.

Literature cited by the submitters: PubMed 17347258 (cited by 3billion); PubMed 35087721 (cited by 3billion).